The following is an entry in ClinVar:

NM_020937.4(FANCM):c.3116C>T (p.Ser1039Leu)

Gene: FANCM (FA complementation group M; plus strand). Cytogenetic location: 14q21.2.
Variant type: single nucleotide variant.
Coding change: c.3116C>T on transcript NM_020937.4 (MANE Select); coding-DNA position 3116, C replaced by T.
Protein change: p.Ser1039Leu; replaces serine 1039 with leucine.
Molecular consequence: missense variant.
Genome position (GRCh38, 1-based): chr14:45,175,870, C>T. VCF-style: chr14-45175870-C-T. GRCh37 (hg19) VCF-style: chr14-45645073-C-T.
Other names: c.3038C>T, p.Ser1013Leu (NM_001308133.2); short protein forms S1013L, S1039L.
Identifiers: ClinVar variation 4533130 (VCV004533130.1).

ClinVar aggregate classification (germline): Uncertain significance (1 of 4 stars; one submission).

gnomAD v4.1: 1 of 1,613,824 alleles (0.000062%); highest among the groups gnomAD compares: South Asian, 0.0011%; no homozygotes.

Submission:

Quest Diagnostics Nichols Institute San Juan Capistrano
Classification: Uncertain significance. Last evaluated: 2025-03-24. Review status: criteria provided, single submitter. Criteria: Quest Diagnostics criteria. Collection method: clinical testing. Allele origin: unknown.
Comment: The FANCM c.3116C>T (p.Ser1039Leu) variant has not been reported in individuals with FANCM-related conditions in the published literature. It also has not been reported in large, multi-ethnic general populations (Genome Aggregation Database). Analysis of this variant using bioinformatics tools for the prediction of the effect of amino acid changes on protein structure and function yielded predictions that this variant is benign. Based on the available information, we are unable to determine the clinical significance of this variant.